The following is an entry in ClinVar:

ClinVar aggregate classification (germline): Uncertain significance. Review status: criteria provided, multiple submitters, no conflicts (2 of 4 stars). 5 submissions from 5 submitters: Uncertain significance (5). Last evaluated 2025-10-05.

Conditions:
Cardiomyopathy (CMYO). Also called: Cardiomyopathies. Identifiers: Orphanet 167848, MedGen C0878544, MONDO:0004994, HP:0001638. Inheritance: Various modes of inheritance.
Cardiovascular phenotype. Identifiers: MedGen CN230736.
Dilated cardiomyopathy 1G (CMD1G). Identifiers: Orphanet 154, MedGen C1858763, MONDO:0011400, OMIM 604145.
Autosomal recessive limb-girdle muscular dystrophy type 2J (LGMDR10). Also called: MUSCULAR DYSTROPHY, LIMB-GIRDLE, AUTOSOMAL RECESSIVE 10; Limb-girdle muscular dystrophy, type 2J. Identifiers: Orphanet 140922, MedGen C1837342, MONDO:0012127, OMIM 608807.

Allele frequency attached by ClinVar (database versions not stated): gnomAD exomes below 0.00001 and 0.00001; TOPMed below 0.00001; gnomAD 0.00001.
gnomAD v4.1: 21 of 1,613,642 alleles (0.0013%); highest among the groups gnomAD compares: African/African-American, 0.004%; no homozygotes.

Submissions (5):

Women's Health and Genetics/Laboratory Corporation of America, LabCorp
Classification: Uncertain significance. Last evaluated: 2025-10-05. Review status: criteria provided, single submitter. Criteria: LabCorp Variant Classification Summary - May 2015. Collection method: clinical testing. Allele origin: germline.

GeneDx
Classification: Uncertain significance. Last evaluated: 2025-01-09. Review status: criteria provided, single submitter. Criteria: GeneDx Variant Classification Process June 2021. Collection method: clinical testing. Allele origin: germline. Affected: yes.
Comment: Not observed at significant frequency in large population cohorts (gnomAD); Missense variant in a gene in which most reported pathogenic variants are truncating/loss of function; Has not been previously published as pathogenic or benign to our knowledge; This variant is associated with the following publications: (PMID: 23975875)

CHEO Genetics Diagnostic Laboratory, Children's Hospital of Eastern Ontario
Classification: Uncertain significance for Cardiomyopathy. Last evaluated: 2020-06-25. Review status: criteria provided, single submitter. Criteria: ACMG Guidelines, 2015. Collection method: clinical testing. Allele origin: germline.

Ambry Genetics
Classification: Uncertain significance for Cardiovascular phenotype. Last evaluated: 2020-01-14. Review status: criteria provided, single submitter. Criteria: Ambry Variant Classification Scheme 2023. Collection method: clinical testing. Allele origin: germline.
Comment: The p.I18297V variant (also known as c.54889A>G), located in coding exon 153 of the TTN gene, results from an A to G substitution at nucleotide position 54889. The isoleucine at codon 18297 is replaced by valine, an amino acid with highly similar properties. This amino acid position is well conserved in available vertebrates; however, valine is the reference amino acid in other vertebrate species. In addition, this alteration is predicted to be tolerated by in silico analysis. Since supporting evidence is limited at this time, the clinical significance of this alteration remains unclear.

Labcorp Genetics (formerly Invitae), Labcorp
Classification: Uncertain significance for Dilated cardiomyopathy 1G; Autosomal recessive limb-girdle muscular dystrophy type 2J. Last evaluated: 2018-01-11. Review status: criteria provided, single submitter. Criteria: Invitae Variant Classification Sherloc (09022015). Collection method: clinical testing. Allele origin: germline.

NM_001267550.2(TTN):c.82084A>G (p.Ile27362Val)

Genes: TTN (titin; minus strand), TTN-AS1 (TTN antisense RNA 1; plus strand). Cytogenetic location: 2q31.2.
Variant type: single nucleotide variant.
Coding change: c.82084A>G on transcript NM_001267550.2 (MANE Select); coding-DNA position 82084, A replaced by G.
Protein change: p.Ile27362Val; replaces isoleucine 27362 with valine.
Molecular consequence: missense variant.
Genome position (GRCh38, 1-based): chr2:178,564,048, T>C on the plus strand (A>G on the coding strand, the complement: TTN is on the minus strand). VCF-style: chr2-178564048-T-C. GRCh37 (hg19) VCF-style: chr2-179428775-T-C.
Other names: c.77161A>G, p.Ile25721Val (NM_001256850.1); c.54889A>G, p.Ile18297Val (NM_003319.4); c.74380A>G, p.Ile24794Val (NM_133378.4); c.55264A>G, p.Ile18422Val (NM_133432.3); c.55465A>G, p.Ile18489Val (NM_133437.4); c.82084A>G (NM_001267550.1); short protein forms I18297V, I27362V, I18422V, I25721V, I18489V, I24794V.
Identifiers: ClinVar variation 264516 (VCV000264516.11), dbSNP rs886039181, ClinGen allele CA10587469.